The following is an entry in ClinVar:

NM_020549.5(CHAT):c.1795C>T (p.Leu599Phe)

Gene: CHAT (choline O-acetyltransferase; plus strand). Cytogenetic location: 10q11.23.
Variant type: single nucleotide variant.
Coding change: c.1795C>T on transcript NM_020549.5 (MANE Select); coding-DNA position 1795, C replaced by T.
Protein change: p.Leu599Phe; replaces leucine 599 with phenylalanine.
Molecular consequence: missense variant.
Genome position (GRCh38, 1-based): chr10:49,655,404, C>T. VCF-style: chr10-49655404-C-T. GRCh37 (hg19) VCF-style: chr10-50863450-C-T.
Other names: c.1441C>T, p.Leu481Phe (NM_001142929.2, NM_001142934.2, NM_020984.4 and 2 more transcripts); c.1549C>T, p.Leu517Phe (NM_001142933.2); short protein forms L481F, L599F, L517F.
Identifiers: ClinVar variation 1999417 (VCV001999417.4), dbSNP rs2538878974, ClinGen allele CA376748589.
Genomic context (GRCh38, chr10:49,655,404, plus strand): 5'-CAGCCTTTTAAACCCCGCGCTGCCTCTGTGTTCTGTTGACAGGCTTCTGAGAAGCTTCTG[C>T]TCCTGAAGGATGCCATCCGTGCCCAGACTGCATACACAGTCATGGTGAGTGACGTCGCAC-3'
Protein context (NP_065574.4, residues 589-609): AAVPASEKLL[Leu599Phe]LKDAIRAQTA

ClinVar aggregate classification (germline): Uncertain significance (1 of 4 stars; one submission).

Conditions:
Familial infantile myasthenia (CMS6). Also called: MYASTHENIC SYNDROME, PRESYNAPTIC, CONGENITAL, ASSOCIATED WITH EPISODIC APNEA; Congenital myasthenic syndrome type 6; MYASTHENIC SYNDROME, CONGENITAL, 6, PRESYNAPTIC. Identifiers: Orphanet 590, MedGen C0393929, MONDO:0009689, OMIM 254210.

gnomAD v4.1: 5 of 1,614,158 alleles (0.00031%); highest among the groups gnomAD compares: Non-Finnish European, 0.00042%; no homozygotes.

Submission:

Labcorp Genetics (formerly Invitae), Labcorp
Classification: Uncertain significance for Familial infantile myasthenia. Last evaluated: 2022-05-27. Review status: criteria provided, single submitter. Criteria: Invitae Variant Classification Sherloc (09022015). Collection method: clinical testing. Allele origin: germline.
Comment: Advanced modeling of protein sequence and biophysical properties (such as structural, functional, and spatial information, amino acid conservation, physicochemical variation, residue mobility, and thermodynamic stability) performed at Invitae indicates that this missense variant is not expected to disrupt CHAT protein function. In summary, the available evidence is currently insufficient to determine the role of this variant in disease. Therefore, it has been classified as a Variant of Uncertain Significance. This variant has not been reported in the literature in individuals affected with CHAT-related conditions. This variant is not present in population databases (gnomAD no frequency). This sequence change replaces leucine, which is neutral and non-polar, with phenylalanine, which is neutral and non-polar, at codon 599 of the CHAT protein (p.Leu599Phe).